The following is an entry in ClinVar:

NM_007194.4(CHEK2):c.1517C>T (p.Thr506Ile)

Gene: CHEK2 (checkpoint kinase 2; minus strand). Cytogenetic location: 22q12.1.
Variant type: single nucleotide variant.
Coding change: c.1517C>T on transcript NM_007194.4 (MANE Select); coding-DNA position 1517, C replaced by T.
Protein change: p.Thr506Ile; replaces threonine 506 with isoleucine.
Molecular consequence: missense variant.
Genome position (GRCh38, 1-based): chr22:28,689,160, G>A on the plus strand (C>T on the coding strand, the complement: CHEK2 is on the minus strand). VCF-style: chr22-28689160-G-A. GRCh37 (hg19) VCF-style: chr22-29085148-G-A.
Other names: c.1646C>T, p.Thr549Ile (NM_001005735.3); c.854C>T, p.Thr285Ile (NM_001257387.3); c.1316C>T, p.Thr439Ile (NM_001349956.3); c.1430C>T, p.Thr477Ile (NM_145862.3); short protein forms T506I, T439I, T477I, T549I, T285I.
Identifiers: ClinVar variation 460806 (VCV000460806.14), dbSNP rs1398732281, ClinGen allele CA411092357.
Genomic context (GRCh38, chr22:28,689,160, plus strand): 5'-AGACTACATTTAGTGATCATCAGGAATACGAATACCTGGGCTAGAACCTGGGGTAGAGCT[G>A]TGGATTCATTTTCCTCAGACAGAAGATCTTGAAACTTTCTCTTCATGTCTTCATCCTGTG-3'
Protein context (NP_009125.1, residues 496-516): QDLLSEENES[Thr506Ile]ALPQVLAQPS

ClinVar aggregate classification (germline): Uncertain significance. Review status: criteria provided, multiple submitters, no conflicts (2 of 4 stars). 2 submissions from 2 submitters: Uncertain significance (2). Last evaluated 2025-02-04.

Conditions:
Familial cancer of breast. Also called: BREAST CANCER, FAMILIAL; hereditary breast carcinoma; Hereditary breast cancer. Identifiers: Orphanet 227535, MedGen C0346153, MONDO:0016419, OMIM 114480. Disease mechanism: loss of function.
Hereditary cancer-predisposing syndrome. Also called: Neoplastic Syndromes, Hereditary; Tumor predisposition; Hereditary Cancer Syndrome; Hereditary neoplastic syndrome. Identifiers: Orphanet 140162, MedGen C0027672, MeSH D009386, MONDO:0015356.

Allele frequency attached by ClinVar (database versions not stated): TOPMed below 0.00001.

Submissions (2):

Labcorp Genetics (formerly Invitae), Labcorp
Classification: Uncertain significance for Familial cancer of breast. Last evaluated: 2025-02-04. Review status: criteria provided, single submitter. Criteria: Invitae Variant Classification Sherloc (09022015). Collection method: clinical testing. Allele origin: germline.
Comment: This sequence change replaces threonine, which is neutral and polar, with isoleucine, which is neutral and non-polar, at codon 506 of the CHEK2 protein (p.Thr506Ile). This variant is not present in population databases (gnomAD no frequency). This variant has not been reported in the literature in individuals affected with CHEK2-related conditions. ClinVar contains an entry for this variant (Variation ID: 460806). An algorithm developed to predict the effect of missense changes on protein structure and function outputs the following: PolyPhen-2: "Benign". The isoleucine amino acid residue is found in multiple mammalian species, which suggests that this missense change does not adversely affect protein function. In summary, the available evidence is currently insufficient to determine the role of this variant in disease. Therefore, it has been classified as a Variant of Uncertain Significance.

Ambry Genetics
Classification: Uncertain significance for Hereditary cancer-predisposing syndrome. Last evaluated: 2023-08-23. Review status: criteria provided, single submitter. Criteria: Ambry Variant Classification Scheme 2023. Collection method: clinical testing. Allele origin: germline.
Comment: The p.T506I variant (also known as c.1517C>T), located in coding exon 13 of the CHEK2 gene, results from a C to T substitution at nucleotide position 1517. The threonine at codon 506 is replaced by isoleucine, an amino acid with similar properties. This amino acid position is poorly conserved in available vertebrate species. In addition, this alteration is predicted to be tolerated by in silico analysis. Since supporting evidence is limited at this time, the clinical significance of this alteration remains unclear.